The following is an entry in ClinVar:

ClinVar aggregate classification (germline): Conflicting classifications of pathogenicity. Review status: criteria provided, conflicting classifications (1 of 4 stars). 3 submissions from 3 submitters: Likely pathogenic (2); Uncertain significance (1). Last evaluated 2026-09-01.

Conditions:
Hypophosphatasia. Also called: Phosphoethanol-aminuria. Identifiers: Orphanet 436, MedGen C0020630, MeSH D007014, MONDO:0018570.
Infantile hypophosphatasia. Identifiers: Orphanet 247651, Orphanet 436, MedGen C0268412, MONDO:1010169, OMIM 241500, MONDO:0009427.

Submissions (3):

Genomenon, Inc
Classification: Likely pathogenic for Hypophosphatasia. Last evaluated: 2026-09-01. Review status: criteria provided, single submitter. Criteria: Genomenon Sequence Variant Interpretation Standards - Updated. Collection method: curation. Allele origin: germline. Affected: yes.
Comment: ALPL p.Asn124Asp (c.370A>G) is a missense variant that changes the amino acid at codon 124 from Asparagine to Aspartic acid. This variant has been observed in at least one proband affected with an ALPL-related disorder (PMID:40500351). It has been observed in trans with a pathogenic or likely pathogenic variant in at least one individual (PMID:40500351). It is absent or not present at a significant frequency in gnomAD. In silico models predict that this variant is possibly or probably damaging. In conclusion, we classify ALPL p.Asn124Asp (c.370A>G) as a likely pathogenic variant.

Clinical Genetics and Genomics, Karolinska University Hospital
Classification: Likely pathogenic for Infantile hypophosphatasia. Last evaluated: 2024-09-10. Review status: criteria provided, single submitter. Criteria: ACMG Guidelines, 2015. Collection method: clinical testing. Allele origin: germline. Affected: yes.
Comment: The p.Asn124Asp variant has not been previosly reported, but another amino acid at the same position has been reported as variant of unknown significans in Clinvar (Variation ID 1057142). The variant is classified as Likely Patogenic based on absence from controls (PM2), compound heterozygosity (PM3), computational prediction (PP3) and is located in a functional domain (PM1).

Labcorp Genetics (formerly Invitae), Labcorp
Classification: Uncertain significance. Last evaluated: 2022-10-05. Review status: criteria provided, single submitter. Criteria: Invitae Variant Classification Sherloc (09022015). Collection method: clinical testing. Allele origin: germline.
Comment: This variant is not present in population databases (gnomAD no frequency). This sequence change replaces asparagine, which is neutral and polar, with aspartic acid, which is acidic and polar, at codon 124 of the ALPL protein (p.Asn124Asp). In summary, the available evidence is currently insufficient to determine the role of this variant in disease. Therefore, it has been classified as a Variant of Uncertain Significance. Advanced modeling of protein sequence and biophysical properties (such as structural, functional, and spatial information, amino acid conservation, physicochemical variation, residue mobility, and thermodynamic stability) performed at Invitae indicates that this missense variant is expected to disrupt ALPL protein function. This variant has not been reported in the literature in individuals affected with ALPL-related conditions.

Literature cited by the submitters: PubMed 40500351 (cited by Genomenon, Inc).

NM_000478.6(ALPL):c.370A>G (p.Asn124Asp)

Gene: ALPL (alkaline phosphatase, biomineralization associated; plus strand). Cytogenetic location: 1p36.12.
Variant type: single nucleotide variant.
Coding change: c.370A>G on transcript NM_000478.6 (MANE Select); coding-DNA position 370, A replaced by G.
Protein change: p.Asn124Asp; replaces asparagine 124 with aspartic acid.
Molecular consequence: missense variant.
Genome position (GRCh38, 1-based): chr1:21,563,182, A>G. VCF-style: chr1-21563182-A-G. GRCh37 (hg19) VCF-style: chr1-21889675-A-G.
Other names: c.205A>G, p.Asn69Asp (NM_001127501.4); c.139A>G, p.Asn47Asp (NM_001177520.3); c.370A>G, p.Asn124Asp (NM_001369803.2, NM_001369804.2, NM_001369805.2); short protein forms N124D, N47D, N69D.
Identifiers: ClinVar variation 1721046 (VCV001721046.5), dbSNP rs2545299014, ClinGen allele CA338877198.
Genomic context (GRCh38, chr1:21,563,182, plus strand): 5'-AATGCCCAGGTCCCTGACAGTGCCGGCACCGCCACCGCCTACCTGTGTGGGGTGAAGGCC[A>G]ATGAGGGCACCGTGGGGGTAAGCGCAGCCACTGAGCGTTCCCGGTGCAACACCACCCAGG-3'
Protein context (NP_000469.3, residues 114-134): ATAYLCGVKA[Asn124Asp]EGTVGVSAAT